The following is an entry in ClinVar:

NM_000719.7(CACNA1C):c.2380C>T (p.Pro794Ser)

Gene: CACNA1C (calcium voltage-gated channel subunit alpha1 C; plus strand). Cytogenetic location: 12p13.33.
Variant type: single nucleotide variant.
Coding change: c.2380C>T on transcript NM_000719.7 (MANE Select); coding-DNA position 2380, C replaced by T.
Protein change: p.Pro794Ser; replaces proline 794 with serine.
Molecular consequence: missense variant.
Genome position (GRCh38, 1-based): chr12:2,585,416, C>T. VCF-style: chr12-2585416-C-T. GRCh37 (hg19) VCF-style: chr12-2694582-C-T.
Other names: c.2380C>T, p.Pro794Ser (NM_001129827.2, NM_001129829.2, NM_001129830.3 and 18 more transcripts); c.2371C>T, p.Pro791Ser (NM_001129844.2); short protein forms P791S, P794S.
Identifiers: ClinVar variation 1347513 (VCV001347513.8), dbSNP rs2153231566, ClinGen allele CA383371696.

ClinVar aggregate classification (germline): Uncertain significance (1 of 4 stars; one submission).

Conditions:
Long QT syndrome (LQTS). Identifiers: MedGen C0023976, MeSH D008133, MONDO:0002442. Disease mechanism: loss of function. Inheritance: Various modes of inheritance.

gnomAD v4.1: 1 of 1,611,504 alleles (0.000062%); highest among the groups gnomAD compares: Middle Eastern, 0.017%; no homozygotes.

Submission:

Labcorp Genetics (formerly Invitae), Labcorp
Classification: Uncertain significance for Long QT syndrome. Last evaluated: 2021-04-22. Review status: criteria provided, single submitter. Criteria: Invitae Variant Classification Sherloc (09022015). Collection method: clinical testing. Allele origin: germline.
Comment: Algorithms developed to predict the effect of missense changes on protein structure and function (SIFT, PolyPhen-2, Align-GVGD) all suggest that this variant is likely to be tolerated, but these predictions have not been confirmed by published functional studies and their clinical significance is uncertain. In summary, the available evidence is currently insufficient to determine the role of this variant in disease. Therefore, it has been classified as a Variant of Uncertain Significance. This variant has not been reported in the literature in individuals with CACNA1C-related conditions. This variant is not present in population databases (ExAC no frequency). This sequence change replaces proline with serine at codon 794 of the CACNA1C protein (p.Pro794Ser). The proline residue is moderately conserved and there is a moderate physicochemical difference between proline and serine.